The following is an entry in ClinVar:

ClinVar aggregate classification (germline): Likely pathogenic (1 of 4 stars; one submission).

Submission:

GeneDx
Classification: Likely pathogenic. Last evaluated: 2018-10-29. Review status: criteria provided, single submitter. Criteria: GeneDx Variant Classification (06012015). Collection method: clinical testing. Allele origin: germline. Affected: yes.
Comment: The R173P variant in the PTPN11 gene has not been reported previously as a pathogenic variant, nor as a benign variant, to our knowledge. The R173P variant is not observed in large population cohorts (Lek et al., 2016; 1000 Genomes Consortium et al., 2015; Exome Variant Server). The R173P variant is a non-conservative amino acid substitution, which is likely to impact secondary protein structure as these residues differ in polarity, charge, size and/or other properties. This substitution occurs at a position where amino acids with similar properties to Arginine are tolerated across species. In silico analysis predicts this variant is probably damaging to the protein structure/function. We interpret R173P as a likely pathogenic variant.

NM_002834.5(PTPN11):c.518G>C (p.Arg173Pro)

Gene: PTPN11 (protein tyrosine phosphatase non-receptor type 11; plus strand). Cytogenetic location: 12q24.13.
Variant type: single nucleotide variant.
Coding change: c.518G>C on transcript NM_002834.5 (MANE Select); coding-DNA position 518, G replaced by C.
Protein change: p.Arg173Pro; replaces arginine 173 with proline.
Molecular consequence: missense variant.
Genome position (GRCh38, 1-based): chr12:112,453,380, G>C. VCF-style: chr12-112453380-G-C. GRCh37 (hg19) VCF-style: chr12-112891184-G-C.
Other names: c.518G>C, p.Arg173Pro (NM_001330437.2, NM_080601.3); c.515G>C, p.Arg172Pro (NM_001374625.1); short protein forms R173P, R172P.
Identifiers: ClinVar variation 450356 (VCV000450356.2), dbSNP rs369155025, ClinGen allele CA386781928.
Genomic context (GRCh38, chr12:112,453,380, plus strand): 5'-CTGGTGATGACAAAGGGGAGAGCAATGACGGCAAGTCTAAAGTGACCCATGTTATGATTC[G>C]CTGTCAGGTAAATCTCCAGTTGAAAAATGGGTCTGGCAAGATGTTACCTTTGGGTGATTT-3'
Protein context (NP_002825.3, residues 163-183): GKSKVTHVMI[Arg173Pro]CQELKYDVGG